The following is an entry in ClinVar:

ClinVar aggregate classification (germline): Uncertain significance (1 of 4 stars; one submission).

Conditions:
Diffuse cerebral and cerebellar atrophy - intractable seizures - progressive microcephaly syndrome. Also called: Microcephaly, progressive, with seizures and cerebral and cerebellar atrophy. Identifiers: Orphanet 404437, MedGen C4014239, MONDO:0014335, OMIM 615760.

Allele frequency attached by ClinVar (database versions not stated): gnomAD exomes below 0.00001.

Submission:

Labcorp Genetics (formerly Invitae), Labcorp
Classification: Uncertain significance for Diffuse cerebral and cerebellar atrophy - intractable seizures - progressive microcephaly syndrome. Last evaluated: 2024-04-15. Review status: criteria provided, single submitter. Criteria: Invitae Variant Classification Sherloc (09022015). Collection method: clinical testing. Allele origin: germline.
Comment: This sequence change replaces leucine, which is neutral and non-polar, with phenylalanine, which is neutral and non-polar, at codon 69 of the QARS protein (p.Leu69Phe). This variant is present in population databases (no rsID available, gnomAD 0.0009%). This variant has not been reported in the literature in individuals affected with QARS-related conditions. ClinVar contains an entry for this variant (Variation ID: 863357). Advanced modeling of protein sequence and biophysical properties (such as structural, functional, and spatial information, amino acid conservation, physicochemical variation, residue mobility, and thermodynamic stability) has been performed at Invitae for this missense variant, however the output from this modeling did not meet the statistical confidence thresholds required to predict the impact of this variant on QARS protein function. In summary, the available evidence is currently insufficient to determine the role of this variant in disease. Therefore, it has been classified as a Variant of Uncertain Significance.

NM_005051.3(QARS1):c.205C>T (p.Leu69Phe)

Gene: QARS1 (glutaminyl-tRNA synthetase 1; minus strand). Cytogenetic location: 3p21.31.
Variant type: single nucleotide variant.
Coding change: c.205C>T on transcript NM_005051.3 (MANE Select); coding-DNA position 205, C replaced by T.
Protein change: p.Leu69Phe; replaces leucine 69 with phenylalanine.
Molecular consequence: missense variant. On other transcripts: non-coding transcript variant (1).
Genome position (GRCh38, 1-based): chr3:49,104,384, G>A on the plus strand (C>T on the coding strand, the complement: QARS1 is on the minus strand). VCF-style: chr3-49104384-G-A. GRCh37 (hg19) VCF-style: chr3-49141817-G-A.
Other names: c.205C>T, p.Leu69Phe (NM_001272073.2); short protein forms L69F.
Identifiers: ClinVar variation 863357 (VCV000863357.6), dbSNP rs1223986953, ClinGen allele CA352722679.
Genomic context (GRCh38, chr3:49,104,384, plus strand): 5'-CGCTTAGCTGGGGCTCAGTGTGGATCTTCTTACTGGCTATGTAGCTTACAAGGAAGGAGA[G>A]ACGCCGGGTATCCCTGAGTCGGGAGGCCAAGCCATATAACAGGATCCCGGTAGCTTTGTC-3'
Protein context (NP_005042.1, residues 59-79): LASRLRDTRR[Leu69Phe]SFLVSYIASK